The following is an entry in ClinVar:

ClinVar aggregate classification (germline): Uncertain significance (1 of 4 stars; one submission).

Allele frequency attached by ClinVar (database versions not stated): gnomAD 0.00001.

Submission:

Labcorp Genetics (formerly Invitae), Labcorp
Classification: Uncertain significance. Last evaluated: 2024-09-30. Review status: criteria provided, single submitter. Criteria: Invitae Variant Classification Sherloc (09022015). Collection method: clinical testing. Allele origin: germline.
Comment: This sequence change replaces valine, which is neutral and non-polar, with methionine, which is neutral and non-polar, at codon 383 of the CLCN7 protein (p.Val383Met). This variant is present in population databases (no rsID available, gnomAD 0.003%). This variant has not been reported in the literature in individuals affected with CLCN7-related conditions. Invitae Evidence Modeling of protein sequence and biophysical properties (such as structural, functional, and spatial information, amino acid conservation, physicochemical variation, residue mobility, and thermodynamic stability) indicates that this missense variant is not expected to disrupt CLCN7 protein function with a negative predictive value of 95%. Algorithms developed to predict the effect of sequence changes on RNA splicing suggest that this variant may create or strengthen a splice site. In summary, the available evidence is currently insufficient to determine the role of this variant in disease. Therefore, it has been classified as a Variant of Uncertain Significance.

NM_001287.6(CLCN7):c.1147G>A (p.Val383Met)

Gene: CLCN7 (chloride voltage-gated channel 7; minus strand). Cytogenetic location: 16p13.3.
Variant type: single nucleotide variant.
Coding change: c.1147G>A on transcript NM_001287.6 (MANE Select); coding-DNA position 1147, G replaced by A.
Protein change: p.Val383Met; replaces valine 383 with methionine.
Molecular consequence: missense variant.
Genome position (GRCh38, 1-based): chr16:1,454,417, C>T on the plus strand (G>A on the coding strand, the complement: CLCN7 is on the minus strand). VCF-style: chr16-1454417-C-T. GRCh37 (hg19) VCF-style: chr16-1504418-C-T.
Other names: c.1075G>A, p.Val359Met (NM_001114331.3); short protein forms V359M, V383M.
Identifiers: ClinVar variation 3004503 (VCV003004503.3), dbSNP rs757590102, ClinGen allele CA394189543.
Genomic context (GRCh38, chr16:1,454,417, plus strand): 5'-CACAGCTGAGCCAGGCCCGCAGGCCGTCCCTGCGGTGCTGGGAGAAGCCCTTACCCACCA[C>T]GCCCATGGCGATGAAGACCGGGATCTCGTGGATCGTGTAGGCCATTTTCTGTGCAGAGAG-3'
Protein context (NP_001278.1, residues 373-393): HEIPVFIAMG[Val383Met]VGGVLGAVFN